The following is an entry in ClinVar:

NM_001330588.2(TPP2):c.3579+6G>A

Gene: TPP2 (tripeptidyl peptidase 2; plus strand). Cytogenetic location: 13q33.1.
Variant type: single nucleotide variant.
Coding change: c.3579+6G>A on transcript NM_001330588.2 (MANE Select); 6 bases into the intron after coding-DNA position 3579, G replaced by A.
Molecular consequence: intron variant.
Genome position (GRCh38, 1-based): chr13:102,674,496, G>A. VCF-style: chr13-102674496-G-A. GRCh37 (hg19) VCF-style: chr13-103326846-G-A.
Other names: c.3666+6G>A (NM_001367947.1); c.3540+6G>A (NM_003291.4).
Identifiers: ClinVar variation 1498165 (VCV001498165.3), dbSNP rs753699920, ClinGen allele CA7038300.

ClinVar aggregate classification (germline): Uncertain significance (1 of 4 stars; one submission).

Conditions:
Evans syndrome, immunodeficiency, and premature immunosenescence associated with tripeptidyl-peptidase II deficiency. Identifiers: MedGen CN231723. Disease mechanism: loss of function.

Allele frequency attached by ClinVar (database versions not stated): gnomAD 0.00001; gnomAD exomes 0.00002; TOPMed 0.00002; ExAC 0.00003.
gnomAD v4.1: 29 of 1,613,150 alleles (0.0018%); highest among the groups gnomAD compares: South Asian, 0.0066%; no homozygotes.

Submission:

Labcorp Genetics (formerly Invitae), Labcorp
Classification: Uncertain significance for Evans syndrome, immunodeficiency, and premature immunosenescence associated with tripeptidyl-peptidase II deficiency. Last evaluated: 2021-08-11. Review status: criteria provided, single submitter. Criteria: Invitae Variant Classification Sherloc (09022015). Collection method: clinical testing. Allele origin: germline.
Comment: This sequence change falls in intron 27 of the TPP2 gene. It does not directly change the encoded amino acid sequence of the TPP2 protein. It affects a nucleotide within the consensus splice site of the intron. This variant is present in population databases (rs753699920, ExAC 0.01%). This variant has not been reported in the literature in individuals with TPP2-related conditions. Nucleotide substitutions within the consensus splice site are a relatively common cause of aberrant splicing (PMID: 17576681, 9536098). Algorithms developed to predict the effect of sequence changes on RNA splicing suggest that this variant is not likely to affect RNA splicing, but this prediction has not been confirmed by published transcriptional studies. In summary, the available evidence is currently insufficient to determine the role of this variant in disease. Therefore, it has been classified as a Variant of Uncertain Significance.

Literature cited by the submitters: PubMed 17576681; PubMed 9536098.